The following is an entry in ClinVar:

NM_021728.4(OTX2):c.458G>A (p.Ser153Asn)

Gene: OTX2 (orthodenticle homeobox 2; minus strand). Cytogenetic location: 14q22.3.
Variant type: single nucleotide variant.
Coding change: c.458G>A on transcript NM_021728.4 (MANE Select); coding-DNA position 458, G replaced by A.
Protein change: p.Ser153Asn; replaces serine 153 with asparagine.
Molecular consequence: missense variant. On other transcripts: non-coding transcript variant (2).
Genome position (GRCh38, 1-based): chr14:56,802,171, C>T on the plus strand (G>A on the coding strand, the complement: OTX2 is on the minus strand). VCF-style: chr14-56802171-C-T. GRCh37 (hg19) VCF-style: chr14-57268889-C-T.
Other names: c.434G>A, p.Ser145Asn (NM_001270523.2, NM_001270524.2, NM_172337.3); c.458G>A, p.Ser153Asn (NM_001270525.2); short protein forms S153N, S145N.
Identifiers: ClinVar variation 2141722 (VCV002141722.4), dbSNP rs1040844433, ClinGen allele CA261910280.
Genomic context (GRCh38, chr14:56,802,171, plus strand): 5'-GACAAGGGATCTGACAGTGGGGAGATGGAAGCTGGGCTCCAGATAGACACAGGAGCACTG[C>T]TGCTGGCAATGGTCGGGACTGAGGTGCTAGAGGGGGGAGTGAATTGGCCACTTGTTCCAC-3'
Protein context (NP_068374.1, residues 143-163): SSTSVPTIAS[Ser153Asn]SAPVSIWSPA

ClinVar aggregate classification (germline): Uncertain significance (1 of 4 stars; one submission).

Conditions:
Anophthalmia-microphthalmia syndrome. Also called: Anophthalmia/Microphthalmia; Anophthalmia - microphthalmia. Identifiers: Orphanet 98555, MedGen C5680330, MONDO:0020147.

Allele frequency attached by ClinVar (database versions not stated): gnomAD exomes below 0.00001.
gnomAD v4.1: 4 of 1,614,122 alleles (0.00025%); highest among the groups gnomAD compares: Admixed American, 0.0017%; no homozygotes.

Submission:

Labcorp Genetics (formerly Invitae), Labcorp
Classification: Uncertain significance for Anophthalmia-microphthalmia syndrome. Last evaluated: 2025-11-05. Review status: criteria provided, single submitter. Criteria: Invitae Variant Classification Sherloc (09022015). Collection method: clinical testing. Allele origin: germline.
Comment: This sequence change replaces serine, which is neutral and polar, with asparagine, which is neutral and polar, at codon 145 of the OTX2 protein (p.Ser145Asn). This variant is present in population databases (no rsID available, gnomAD 0.003%). This variant has not been reported in the literature in individuals affected with OTX2-related conditions. ClinVar contains an entry for this variant (Variation ID: 2141722). An algorithm developed to predict the effect of missense changes on protein structure and function (PolyPhen-2) suggests that this variant is likely to be tolerated. In summary, the available evidence is currently insufficient to determine the role of this variant in disease. Therefore, it has been classified as a Variant of Uncertain Significance.